The following is an entry in ClinVar:

ClinVar aggregate classification (germline): Uncertain significance (1 of 4 stars; one submission).

gnomAD v4.1: 43 of 1,614,080 alleles (0.0027%); highest among the groups gnomAD compares: East Asian, 0.0045%; no homozygotes.

Submission:

Labcorp Genetics (formerly Invitae), Labcorp
Classification: Uncertain significance. Last evaluated: 2022-10-20. Review status: criteria provided, single submitter. Criteria: Invitae Variant Classification Sherloc (09022015). Collection method: clinical testing. Allele origin: germline.
Comment: This sequence change replaces threonine, which is neutral and polar, with methionine, which is neutral and non-polar, at codon 237 of the CXCR2 protein (p.Thr237Met). This variant is present in population databases (rs780492767, gnomAD 0.005%). This variant has not been reported in the literature in individuals affected with CXCR2-related conditions. Algorithms developed to predict the effect of missense changes on protein structure and function are either unavailable or do not agree on the potential impact of this missense change (SIFT: "Deleterious"; PolyPhen-2: "Probably Damaging"; Align-GVGD: "Class C0"). In summary, the available evidence is currently insufficient to determine the role of this variant in disease. Therefore, it has been classified as a Variant of Uncertain Significance.

NM_001557.4(CXCR2):c.710C>T (p.Thr237Met)

Gene: CXCR2 (C-X-C motif chemokine receptor 2; plus strand). Cytogenetic location: 2q35.
Variant type: single nucleotide variant.
Coding change: c.710C>T on transcript NM_001557.4 (MANE Select); coding-DNA position 710, C replaced by T.
Protein change: p.Thr237Met; replaces threonine 237 with methionine.
Molecular consequence: missense variant.
Genome position (GRCh38, 1-based): chr2:218,135,511, C>T. VCF-style: chr2-218135511-C-T. GRCh37 (hg19) VCF-style: chr2-219000234-C-T.
Other names: c.710C>T, p.Thr237Met (NM_001168298.2); short protein forms T237M.
Identifiers: ClinVar variation 2160579 (VCV002160579.1), dbSNP rs780492767, ClinGen allele CA2101759.